The following is an entry in ClinVar:

NM_004656.4(BAP1):c.293del (p.Ser98fs)

Gene: BAP1 (BRCA1 associated deubiquitinase 1; minus strand). Cytogenetic location: 3p21.1.
Variant type: Deletion.
Coding change: c.293del on transcript NM_004656.4 (MANE Select); coding-DNA position 293, one base deleted (G; older notation c.293delG).
Protein change: p.Ser98fs; shifts the reading frame from serine 98.
Molecular consequence: frameshift variant.
Genome position (GRCh38, 1-based): chr3:52,408,040, C deleted on the plus strand (G on the coding strand, the reverse complement: BAP1 is on the minus strand). VCF-style (leftmost placement, unchanged base first): chr3-52408039-GC-G. GRCh37 (hg19) VCF-style: chr3-52442055-GC-G.
Other names: c.293del, p.Ser98fs (NM_001410772.1); short protein forms S98fs.
Identifiers: ClinVar variation 2626738 (VCV002626738.2), dbSNP rs2471355078, ClinGen allele CA2582342863.

ClinVar aggregate classification (germline): Pathogenic (1 of 4 stars; one submission).

Conditions:
Hereditary cancer-predisposing syndrome. Also called: Tumor predisposition; Hereditary Cancer Syndrome; Hereditary neoplastic syndrome; Neoplastic Syndromes, Hereditary. Identifiers: Orphanet 140162, MedGen C0027672, MeSH D009386, MONDO:0015356.

Submission:

Ambry Genetics
Classification: Pathogenic for Hereditary cancer-predisposing syndrome. Last evaluated: 2023-07-28. Review status: criteria provided, single submitter. Criteria: Ambry Variant Classification Scheme 2023. Collection method: clinical testing. Allele origin: germline.
Comment: The c.293delG pathogenic mutation, located in coding exon 5 of the BAP1 gene, results from a deletion of one nucleotide at nucleotide position 293, causing a translational frameshift with a predicted alternate stop codon (p.S98Tfs*4). This variant is considered to be rare based on population cohorts in the Genome Aggregation Database (gnomAD). This alteration is expected to result in loss of function by premature protein truncation or nonsense-mediated mRNA decay. As such, this alteration is interpreted as a disease-causing mutation.